The following is an entry in ClinVar:

ClinVar aggregate classification (germline): Pathogenic/Likely pathogenic. Review status: criteria provided, multiple submitters, no conflicts (2 of 4 stars). 3 submissions from 3 submitters: Pathogenic (1); Likely pathogenic (2). Last evaluated 2025-09-04.

Conditions:
IGF1R-related disorder. Also called: IGF1R-related condition.
Growth delay due to insulin-like growth factor I resistance. Also called: Somatomedin end-organ insensitivity to; Somatomedin-c resistance to; IGF-1 resistance; IGF-I RESISTANCE; Insulin-Like Growth Factor I Resistance. Identifiers: Orphanet 73273, MedGen C1849157, MONDO:0010038, OMIM 270450.

Allele frequency attached by ClinVar (database versions not stated): gnomAD exomes below 0.00001.
gnomAD v4.1: 1 of 1,614,038 alleles (0.000062%); highest among the groups gnomAD compares: Non-Finnish European, 0.000085%; no homozygotes.

Submissions (3):

GeneDx
Classification: Likely pathogenic. Last evaluated: 2025-09-04. Review status: criteria provided, single submitter. Criteria: GeneDx Variant Classification Process June 2021. Collection method: clinical testing. Allele origin: germline.
Comment: Identified in members of a single family with short stature, developmental delay, and/or feeding difficulties (PMID: 31586944); Not observed at significant frequency in large population cohorts (gnomAD); In silico analysis supports that this missense variant has a deleterious effect on protein structure/function; This variant is associated with the following publications: (PMID: 31586944)

Blueprint Genetics
Classification: Likely pathogenic for IGF1R-related disorders. Last evaluated: 2024-09-02. Review status: criteria provided, single submitter. Criteria: ACMG Guidelines, 2015. Collection method: clinical testing. Allele origin: germline. Affected: yes. Observed: 4 variant alleles.

Centre de recherche St Antoine, Sorbonne Université, INSERM, Sorbonne University
Classification: Pathogenic for Growth delay due to insulin-like growth factor I resistance. Last evaluated: 2019-01-04. Review status: criteria provided, single submitter. Criteria: ACMG Guidelines, 2015. Collection method: clinical testing. Allele origin: paternal. Affected: yes. Observed: 3 variant alleles.

NM_000875.5(IGF1R):c.3454G>A (p.Gly1152Arg)

Gene: IGF1R (insulin like growth factor 1 receptor; plus strand). Cytogenetic location: 15q26.3.
Variant type: single nucleotide variant.
Coding change: c.3454G>A on transcript NM_000875.5 (MANE Select); coding-DNA position 3454, G replaced by A.
Protein change: p.Gly1152Arg; replaces glycine 1152 with arginine.
Molecular consequence: missense variant.
Genome position (GRCh38, 1-based): chr15:98,939,357, G>A. VCF-style: chr15-98939357-G-A. GRCh37 (hg19) VCF-style: chr15-99482586-G-A.
Other names: c.3451G>A, p.Gly1151Arg (NM_001291858.2); short protein forms G1152R, G1151R.
Identifiers: ClinVar variation 635846 (VCV000635846.6), dbSNP rs1596472892, ClinGen allele CA393660275.